The following is an entry in ClinVar:

ClinVar aggregate classification (germline): Uncertain significance (1 of 4 stars; one submission).

Conditions:
Brugada syndrome 8 (BRGDA8). Identifiers: Orphanet 130, MedGen C2751083, MONDO:0013148, OMIM 613123.

Submission:

Labcorp Genetics (formerly Invitae), Labcorp
Classification: Uncertain significance for Brugada syndrome 8. Last evaluated: 2025-01-01. Review status: criteria provided, single submitter. Criteria: Invitae Variant Classification Sherloc (09022015). Collection method: clinical testing. Allele origin: germline.
Comment: This sequence change replaces histidine, which is basic and polar, with glutamine, which is neutral and polar, at codon 121 of the HCN4 protein (p.His121Gln). This variant is not present in population databases (gnomAD no frequency). This variant has not been reported in the literature in individuals affected with HCN4-related conditions. Invitae Evidence Modeling of protein sequence and biophysical properties (such as structural, functional, and spatial information, amino acid conservation, physicochemical variation, residue mobility, and thermodynamic stability) indicates that this missense variant is not expected to disrupt HCN4 protein function with a negative predictive value of 95%. In summary, the available evidence is currently insufficient to determine the role of this variant in disease. Therefore, it has been classified as a Variant of Uncertain Significance.

NM_005477.3(HCN4):c.363C>A (p.His121Gln)

Gene: HCN4 (hyperpolarization activated cyclic nucleotide gated potassium channel 4; minus strand). Cytogenetic location: 15q24.1.
Variant type: single nucleotide variant.
Coding change: c.363C>A on transcript NM_005477.3 (MANE Select); coding-DNA position 363, C replaced by A.
Protein change: p.His121Gln; replaces histidine 121 with glutamine.
Molecular consequence: missense variant.
Genome position (GRCh38, 1-based): chr15:73,367,908, G>T on the plus strand (C>A on the coding strand, the complement: HCN4 is on the minus strand). VCF-style: chr15-73367908-G-T. GRCh37 (hg19) VCF-style: chr15-73660249-G-T.
Other names: short protein forms H121Q.
Identifiers: ClinVar variation 3693214 (VCV003693214.2).
Genomic context (GRCh38, chr15:73,367,908, plus strand): 5'-CTCGCCGGGGGACGCGTCGCCCTCGGCGATGAGCCGCCGCTCCTCCGCGGAGTCATGCAG[G>T]TGTCCGTGACTGCTGCCGCTCCCCGTGCCGCCGCTGCCGCCGCCCCGGCTGCCCAGCGAG-3'
Protein context (NP_005468.1, residues 111-131): GGTGSGSSHG[His121Gln]LHDSAEERRL